The following is an entry in ClinVar:

NM_181538.3(GJC3):c.569T>A (p.Ile190Asn)

Gene: GJC3 (gap junction protein gamma 3; minus strand). Cytogenetic location: 7q22.1.
Variant type: single nucleotide variant.
Coding change: c.569T>A on transcript NM_181538.3 (MANE Select); coding-DNA position 569, T replaced by A.
Protein change: p.Ile190Asn; replaces isoleucine 190 with asparagine.
Molecular consequence: missense variant.
Genome position (GRCh38, 1-based): chr7:99,929,052, A>T on the plus strand (T>A on the coding strand, the complement: GJC3 is on the minus strand). VCF-style: chr7-99929052-A-T. GRCh37 (hg19) VCF-style: chr7-99526675-A-T.
Other names: short protein forms I190N.
Identifiers: ClinVar variation 3057270 (VCV003057270.2), dbSNP rs121908693, ClinGen allele CA4371238.
Genomic context (GRCh38, chr7:99,929,052, plus strand): 5'-AGCTCCAAAAAAGTAAACAAGAGACAGAAACCGCTGACTCCAAACATGGTCTTTAGGAAA[A>T]TGGTCTTCTCAGAGGGGCGGGACAGATTGCAGGTTATACTACCAAGGCAAGGTTCTCGGC-3'
Protein context (NP_853516.1, residues 180-200): CNLSRPSEKT[Ile190Asn]FLKTMFGVSG

ClinVar aggregate classification (germline): Likely benign (0 of 4 stars; one submission).

Conditions:
GJC3-related disorder. Also called: GJC3-related condition.

Allele frequency attached by ClinVar (database versions not stated): TOPMed 0.00001; gnomAD exomes 0.00035; 1000 Genomes Project 0.00120; 1000 Genomes Project 30x 0.00125.
gnomAD v4.1: 533 of 1,614,188 alleles (0.033%); highest among the groups gnomAD compares: South Asian, 0.56%; 7 homozygotes.

Submission:

PreventionGenetics, part of Exact Sciences
Classification: Likely benign for GJC3-related condition. Last evaluated: 2021-03-16. Review status: no assertion criteria provided. Collection method: clinical testing. Allele origin: germline.
Comment: This variant is classified as likely benign based on ACMG/AMP sequence variant interpretation guidelines (Richards et al. 2015 PMID: 25741868, with internal and published modifications).